The following is an entry in ClinVar:

ClinVar aggregate classification (germline): Uncertain significance (1 of 4 stars; one submission).

Submission:

Ambry Genetics
Classification: Uncertain significance. Last evaluated: 2025-08-30. Review status: criteria provided, single submitter. Criteria: Ambry Variant Classification Scheme 2023. Collection method: clinical testing. Allele origin: germline.
Comment: The p.Q1006H variant (also known as c.3018G>T), located in coding exon 11 of the WNK2 gene, results from a G to T substitution at nucleotide position 3018. The glutamine at codon 1006 is replaced by histidine, an amino acid with highly similar properties. This amino acid position is conserved. In addition, this alteration is predicted to be tolerated by in silico analysis. Based on the available evidence, the clinical significance of this variant remains unclear.

NM_006648.4(WNK2):c.3018G>T (p.Gln1006His)

Gene: WNK2 (WNK lysine deficient protein kinase 2; plus strand). Cytogenetic location: 9q22.31.
Variant type: single nucleotide variant.
Coding change: c.3018G>T on transcript NM_006648.4 (MANE Select); coding-DNA position 3018, G replaced by T.
Protein change: p.Gln1006His; replaces glutamine 1006 with histidine.
Molecular consequence: missense variant.
Genome position (GRCh38, 1-based): chr9:93,259,566, G>T. VCF-style: chr9-93259566-G-T. GRCh37 (hg19) VCF-style: chr9-96021848-G-T.
Other names: c.3018G>T, p.Gln1006His (NM_001282394.3); short protein forms Q1006H.
Identifiers: ClinVar variation 4201841 (VCV004201841.1).